The following is an entry in ClinVar:

ClinVar aggregate classification (germline): Pathogenic. Review status: criteria provided, multiple submitters, no conflicts (2 of 4 stars). 3 submissions from 3 submitters: Pathogenic (3). Last evaluated 2025-11-26.

Conditions:
Hereditary cancer-predisposing syndrome. Also called: Hereditary neoplastic syndrome; Tumor predisposition; Hereditary Cancer Syndrome; Neoplastic Syndromes, Hereditary. Identifiers: Orphanet 140162, MedGen C0027672, MeSH D009386, MONDO:0015356.
Familial adenomatous polyposis 4 (FAP4). Also called: MSH3-related attenuated familial adenomatous polyposis. Identifiers: Orphanet 480536, MedGen C4310719, MONDO:0044300, OMIM 617100.

Submissions (3):

Myriad Genetics, Inc.
Classification: Pathogenic for Familial adenomatous polyposis 4. Last evaluated: 2025-11-26. Review status: criteria provided, single submitter. Criteria: Myriad Autosomal Dominant, Autosomal Recessive and X-Linked Classification Criteria (2023). Collection method: clinical testing. Allele origin: unknown.
Comment: This variant is considered pathogenic. This variant creates a frameshift predicted to result in premature protein truncation.

Ambry Genetics
Classification: Pathogenic for Hereditary cancer-predisposing syndrome. Last evaluated: 2023-07-22. Review status: criteria provided, single submitter. Criteria: Ambry Variant Classification Scheme 2023. Collection method: clinical testing. Allele origin: germline.
Comment: The c.781delG pathogenic mutation, located in coding exon 4 of the MSH3 gene, results from a deletion of one nucleotide at nucleotide position 781, causing a translational frameshift with a predicted alternate stop codon (p.E261Kfs*16). This variant is considered to be rare based on population cohorts in the Genome Aggregation Database (gnomAD). This alteration is expected to result in loss of function by premature protein truncation or nonsense-mediated mRNA decay. As such, this alteration is interpreted as a disease-causing mutation.

Labcorp Genetics (formerly Invitae), Labcorp
Classification: Pathogenic. Last evaluated: 2023-03-18. Review status: criteria provided, single submitter. Criteria: Invitae Variant Classification Sherloc (09022015). Collection method: clinical testing. Allele origin: germline.
Comment: For these reasons, this variant has been classified as Pathogenic. This variant has not been reported in the literature in individuals affected with MSH3-related conditions. This variant is not present in population databases (gnomAD no frequency). This sequence change creates a premature translational stop signal (p.Glu261Lysfs*16) in the MSH3 gene. It is expected to result in an absent or disrupted protein product. Loss-of-function variants in MSH3 are known to be pathogenic (PMID: 27476653).

Literature cited by the submitters: PubMed 27476653 (cited by Labcorp Genetics (formerly Invitae), Labcorp).

NM_002439.5(MSH3):c.781del (p.Glu261fs)

Gene: MSH3 (mutS homolog 3; plus strand). Cytogenetic location: 5q14.1.
Variant type: Deletion.
Coding change: c.781del on transcript NM_002439.5 (MANE Select); coding-DNA position 781, one base deleted (G; older notation c.781delG).
Protein change: p.Glu261fs; shifts the reading frame from glutamic acid 261.
Molecular consequence: frameshift variant.
Genome position (GRCh38, 1-based): chr5:80,670,298, G deleted; the last of 4 consecutive G bases (chr5:80,670,295-80,670,298); deleting any one gives the same sequence. VCF-style (leftmost placement, unchanged base first): chr5-80670294-TG-T. GRCh37 (hg19) VCF-style: chr5-79966113-TG-T.
Other names: short protein forms E261fs.
Identifiers: ClinVar variation 2586064 (VCV002586064.6), dbSNP rs1749676068, ClinGen allele CA913109199.